The following is an entry in ClinVar:

ClinVar aggregate classification (germline): Uncertain significance (1 of 4 stars; one submission).

Submission:

Ambry Genetics
Classification: Uncertain significance. Last evaluated: 2025-03-04. Review status: criteria provided, single submitter. Criteria: Ambry Variant Classification Scheme 2023. Collection method: clinical testing. Allele origin: germline.
Comment: The p.S991A variant (also known as c.2971T>G), located in coding exon 1 of the MLH3 gene, results from a T to G substitution at nucleotide position 2971. The serine at codon 991 is replaced by alanine, an amino acid with similar properties. This amino acid position is conserved. In addition, this alteration is predicted to be tolerated by in silico analysis. Based on the available evidence, the clinical significance of this variant remains unclear.

NM_001040108.2(MLH3):c.2971T>G (p.Ser991Ala)

Gene: MLH3 (mutL homolog 3; minus strand). Cytogenetic location: 14q24.3.
Variant type: single nucleotide variant.
Coding change: c.2971T>G on transcript NM_001040108.2 (MANE Select); coding-DNA position 2971, T replaced by G.
Protein change: p.Ser991Ala; replaces serine 991 with alanine.
Molecular consequence: missense variant.
Genome position (GRCh38, 1-based): chr14:75,046,685, A>C on the plus strand (T>G on the coding strand, the complement: MLH3 is on the minus strand). VCF-style: chr14-75046685-A-C. GRCh37 (hg19) VCF-style: chr14-75513388-A-C.
Other names: c.2971T>G, p.Ser991Ala (NM_014381.3); short protein forms S991A.
Identifiers: ClinVar variation 3873460 (VCV003873460.1).
Genomic context (GRCh38, chr14:75,046,685, plus strand): 5'-CTTCTACCGGATTCATTAACATTCCACTGGGAGAGTCAAGACTTCCTATCTGTTGTTCTG[A>C]GGCTCTGATAAGAACATCTGAATCTTTACCGGTAACTTTAGAATTATTATAGGGCAATAC-3'
Protein context (NP_001035197.1, residues 981-1001): GKDSDVLIRA[Ser991Ala]EQQIGSLDSP